The following is an entry in ClinVar:

NM_024854.5(PYROXD1):c.1394C>A (p.Thr465Asn)

Gene: PYROXD1 (pyridine nucleotide-disulphide oxidoreductase domain 1; plus strand). Cytogenetic location: 12p12.1.
Variant type: single nucleotide variant.
Coding change: c.1394C>A on transcript NM_024854.5 (MANE Select); coding-DNA position 1394, C replaced by A.
Protein change: p.Thr465Asn; replaces threonine 465 with asparagine.
Molecular consequence: missense variant.
Genome position (GRCh38, 1-based): chr12:21,468,645, C>A. VCF-style: chr12-21468645-C-A. GRCh37 (hg19) VCF-style: chr12-21621579-C-A.
Other names: c.1394C>A (NM_024854.3); c.1181C>A, p.Thr394Asn (NM_001350912.2); c.617C>A, p.Thr206Asn (NM_001350913.2); short protein forms T465N, T394N, T206N.
Identifiers: ClinVar variation 1414008 (VCV001414008.6), dbSNP rs868118493, ClinGen allele CA384112697.
Genomic context (GRCh38, chr12:21,468,645, plus strand): 5'-AATACATCAAAGTCGTCATGCAAAATGGACGAATGATGGGAGCTGTCTTAATTGGTGAAA[C>A]CGATTTAGAAGAAACATTTGAAAACCTAATCTTAAACCAAATGAATCTTTCATCATATGG-3'
Protein context (NP_079130.2, residues 455-475): RMMGAVLIGE[Thr465Asn]DLEETFENLI

ClinVar aggregate classification (germline): Uncertain significance. Review status: criteria provided, multiple submitters, no conflicts (2 of 4 stars). 2 submissions from 2 submitters: Uncertain significance (2). Last evaluated 2026-01-24.

Conditions:
Inborn genetic diseases. Identifiers: MedGen C0950123, MeSH D030342.

Allele frequency attached by ClinVar (database versions not stated): TOPMed below 0.00001; gnomAD 0.00001.
gnomAD v4.1: 4 of 1,612,740 alleles (0.00025%); highest among the groups gnomAD compares: Non-Finnish European, 0.00034%; no homozygotes.

Submissions (2):

Labcorp Genetics (formerly Invitae), Labcorp
Classification: Uncertain significance. Last evaluated: 2026-01-24. Review status: criteria provided, single submitter. Criteria: Invitae Variant Classification Sherloc (09022015). Collection method: clinical testing. Allele origin: germline.
Comment: This sequence change replaces threonine, which is neutral and polar, with asparagine, which is neutral and polar, at codon 465 of the PYROXD1 protein (p.Thr465Asn). This variant is present in population databases (no rsID available, gnomAD 0.007%). This variant has not been reported in the literature in individuals affected with PYROXD1-related conditions. ClinVar contains an entry for this variant (Variation ID: 1414008). Invitae Evidence Modeling of protein sequence and biophysical properties (such as structural, functional, and spatial information, amino acid conservation, physicochemical variation, residue mobility, and thermodynamic stability) indicates that this missense variant is expected to disrupt PYROXD1 protein function with a positive predictive value of 80%. In summary, the available evidence is currently insufficient to determine the role of this variant in disease. Therefore, it has been classified as a Variant of Uncertain Significance.

Ambry Genetics
Classification: Uncertain significance for Inborn genetic diseases. Last evaluated: 2025-04-10. Review status: criteria provided, single submitter. Criteria: Ambry Variant Classification Scheme 2023. Collection method: clinical testing. Allele origin: germline.